The following is an entry in ClinVar:

NM_001303052.2(MYT1L):c.1953C>G (p.Tyr651Ter)

Gene: MYT1L (myelin transcription factor 1 like; minus strand). Cytogenetic location: 2p25.3.
Variant type: single nucleotide variant.
Coding change: c.1953C>G on transcript NM_001303052.2 (MANE Select); coding-DNA position 1953, C replaced by G.
Protein change: p.Tyr651Ter; replaces tyrosine 651 with a stop codon.
Molecular consequence: nonsense.
Genome position (GRCh38, 1-based): chr2:1,903,159, G>C on the plus strand (C>G on the coding strand, the complement: MYT1L is on the minus strand). VCF-style: chr2-1903159-G-C. GRCh37 (hg19) VCF-style: chr2-1906931-G-C.
Other names: c.1953C>G, p.Tyr651Ter (NM_001329851.3, NM_001329844.2, NM_001329845.1); c.1947C>G, p.Tyr649Ter (NM_001329852.3, NM_015025.4, NM_001329846.3 and 3 more transcripts); short protein forms Y649*, Y651*.
Identifiers: ClinVar variation 4840832 (VCV004840832.2).
Genomic context (GRCh38, chr2:1,903,159, plus strand): 5'-GGATATATCCCTGGTTTGCACCTTGGGAGCTATGGCTCGCTTGCCATAAGTATGGTTGTC[G>C]TAACTGTTGTATTCAAACGAGGTCTTGGAATATTTCTCGAGCTCCTTGGCCAGGTTGGAA-3'

ClinVar aggregate classification (germline): Pathogenic/Likely pathogenic. Review status: criteria provided, multiple submitters, no conflicts (2 of 4 stars). 2 submissions from 2 submitters: Pathogenic (1); Likely pathogenic (1). Last evaluated 2026-03-12.

Conditions:
Inborn genetic diseases. Identifiers: MedGen C0950123, MeSH D030342.
Intellectual developmental disorder, autosomal dominant 39. Also called: Mental retardation, autosomal dominant 39; Intellectual disability, autosomal dominant 39. Identifiers: MedGen C4225296, MONDO:0014678, OMIM 616521.

Submissions (2):

Ambry Genetics
Classification: Pathogenic for Inborn genetic diseases. Last evaluated: 2026-03-12. Review status: criteria provided, single submitter. Criteria: Ambry Variant Classification Scheme 2023. Collection method: clinical testing. Allele origin: germline.
Comment: The c.1947C>G (p.Y649*) alteration, located in exon 14 (coding exon 9) of the MYT1L gene, consists of a C to G substitution at nucleotide position 1947. This changes the amino acid from a tyrosine (Y) to a stop codon at amino acid position 649. This variant is expected to result in loss of function by premature protein truncation or nonsense-mediated mRNA decay. This variant was not reported in population-based cohorts in the Genome Aggregation Database (gnomAD). Based on the available evidence, this alteration is classified as pathogenic.

3billion
Classification: Likely pathogenic for Intellectual developmental disorder, autosomal dominant 39. Last evaluated: 2026-01-16. Review status: criteria provided, single submitter. Criteria: ACMG Guidelines, 2015. Collection method: clinical testing. Allele origin: germline. Affected: yes.
Comment: The variant is not observed in the gnomAD v4.1.0 dataset. Predicted Consequence/Location: Stop-gained (nonsense): predicted to result in a loss or disruption of normal protein function through nonsense-mediated decay (NMD) or protein truncation. Multiple pathogenic variants are reported downstream of the variant. Therefore, this variant is classified as Likely pathogenic according to the recommendation of ACMG/AMP guideline.